The following is an entry in ClinVar:

NM_030777.4(SLC2A10):c.4+9C>G

Gene: SLC2A10 (solute carrier family 2 member 10; plus strand). Cytogenetic location: 20q13.12.
Variant type: single nucleotide variant.
Coding change: c.4+9C>G on transcript NM_030777.4 (MANE Select); 9 bases into the intron after coding-DNA position 4, C replaced by G.
Molecular consequence: intron variant.
Genome position (GRCh38, 1-based): chr20:46,709,749, C>G. VCF-style: chr20-46709749-C-G. GRCh37 (hg19) VCF-style: chr20-45338388-C-G.
Identifiers: ClinVar variation 382501 (VCV000382501.5), dbSNP rs1057521373, ClinGen allele CA16609040.

ClinVar aggregate classification (germline): Likely benign. Review status: criteria provided, multiple submitters, no conflicts (2 of 4 stars). 3 submissions from 3 submitters: Likely benign (3). Last evaluated 2026-01-09.

Conditions:
Arterial tortuosity syndrome (ATORS). Identifiers: Orphanet 3342, MedGen C1859726, MONDO:0008818, OMIM 208050.

Allele frequency attached by ClinVar (database versions not stated): TOPMed below 0.00001; gnomAD exomes 0.00001.
gnomAD v4.1: 7 of 1,547,702 alleles (0.00045%); highest among the groups gnomAD compares: Non-Finnish European, 0.00061%; no homozygotes.

Submissions (3):

Labcorp Genetics (formerly Invitae), Labcorp
Classification: Likely benign for Arterial tortuosity syndrome. Last evaluated: 2026-01-09. Review status: criteria provided, single submitter. Criteria: Invitae Variant Classification Sherloc (09022015). Collection method: clinical testing. Allele origin: germline.

Women's Health and Genetics/Laboratory Corporation of America, LabCorp
Classification: Likely benign. Last evaluated: 2024-06-24. Review status: criteria provided, single submitter. Criteria: LabCorp Variant Classification Summary - May 2015. Collection method: clinical testing. Allele origin: germline.

GeneDx
Classification: Likely benign. Last evaluated: 2015-12-21. Review status: criteria provided, single submitter. Criteria: GeneDx Variant Classification (06012015). Collection method: clinical testing. Allele origin: germline. Affected: yes.
Comment: This variant is considered likely benign or benign based on one or more of the following criteria: it is a conservative change, it occurs at a poorly conserved position in the protein, it is predicted to be benign by multiple in silico algorithms, and/or has population frequency not consistent with disease.